The following is an entry in ClinVar:

NM_015450.3(POT1):c.955G>A (p.Gly319Arg)

Gene: POT1 (protection of telomeres 1; minus strand). Cytogenetic location: 7q31.33.
Variant type: single nucleotide variant.
Coding change: c.955G>A on transcript NM_015450.3 (MANE Select); coding-DNA position 955, G replaced by A.
Protein change: p.Gly319Arg; replaces glycine 319 with arginine.
Molecular consequence: missense variant. On other transcripts: non-coding transcript variant (3).
Genome position (GRCh38, 1-based): chr7:124,846,993, C>T on the plus strand (G>A on the coding strand, the complement: POT1 is on the minus strand). VCF-style: chr7-124846993-C-T. GRCh37 (hg19) VCF-style: chr7-124487047-C-T.
Other names: c.562G>A, p.Gly188Arg (NM_001042594.2); c.955G>A (NM_015450.2); short protein forms G319R, G188R.
Identifiers: ClinVar variation 2110494 (VCV002110494.5), dbSNP rs2485418685, ClinGen allele CA369053854.

ClinVar aggregate classification (germline): Uncertain significance. Review status: criteria provided, multiple submitters, no conflicts (2 of 4 stars). 2 submissions from 2 submitters: Uncertain significance (2). Last evaluated 2025-12-15.

Conditions:
Hereditary cancer-predisposing syndrome. Also called: Neoplastic Syndromes, Hereditary; Tumor predisposition; Hereditary Cancer Syndrome; Hereditary neoplastic syndrome. Identifiers: Orphanet 140162, MedGen C0027672, MeSH D009386, MONDO:0015356.
Tumor predisposition syndrome 3 (TPDS3). Also called: Melanoma, cutaneous malignant, susceptibility to, 10; Glioma susceptibility 9; LONG TELOMERE SYNDROME, POT1-RELATED; POT1 Tumor Predisposition. Identifiers: Orphanet 618, MedGen C4014476, MONDO:0014368, OMIM 615848.

Allele frequency attached by ClinVar (database versions not stated): gnomAD exomes below 0.00001.
gnomAD v4.1: 1 of 1,603,514 alleles (0.000062%); highest among the groups gnomAD compares: South Asian, 0.0011%; no homozygotes.

Submissions (2):

Labcorp Genetics (formerly Invitae), Labcorp
Classification: Uncertain significance for Tumor predisposition syndrome 3. Last evaluated: 2025-12-15. Review status: criteria provided, single submitter. Criteria: Invitae Variant Classification Sherloc (09022015). Collection method: clinical testing. Allele origin: germline.
Comment: This sequence change replaces glycine, which is neutral and non-polar, with arginine, which is basic and polar, at codon 319 of the POT1 protein (p.Gly319Arg). This variant is not present in population databases (gnomAD no frequency). This variant has not been reported in the literature in individuals affected with POT1-related conditions. ClinVar contains an entry for this variant (Variation ID: 2110494). Invitae Evidence Modeling of protein sequence and biophysical properties (such as structural, functional, and spatial information, amino acid conservation, physicochemical variation, residue mobility, and thermodynamic stability) indicates that this missense variant is not expected to disrupt POT1 protein function with a negative predictive value of 80%. Algorithms developed to predict the effect of sequence changes on RNA splicing suggest that this variant may disrupt the consensus splice site. In summary, the available evidence is currently insufficient to determine the role of this variant in disease. Therefore, it has been classified as a Variant of Uncertain Significance.

Ambry Genetics
Classification: Uncertain significance for Hereditary cancer-predisposing syndrome. Last evaluated: 2024-01-11. Review status: criteria provided, single submitter. Criteria: Ambry Variant Classification Scheme 2023. Collection method: clinical testing. Allele origin: germline.
Comment: The p.G319R variant (also known as c.955G>A), located in coding exon 8 of the POT1 gene, results from a G to A substitution at nucleotide position 955. The glycine at codon 319 is replaced by arginine, an amino acid with dissimilar properties. This amino acid position is conserved. In addition, this alteration is predicted to be tolerated by in silico analysis. Since supporting evidence is limited at this time, the clinical significance of this alteration remains unclear.